The following is an entry in ClinVar:

NM_000404.4(GLB1):c.1640C>T (p.Thr547Met)

Gene: GLB1 (galactosidase beta 1; minus strand). Cytogenetic location: 3p22.3.
Variant type: single nucleotide variant.
Coding change: c.1640C>T on transcript NM_000404.4 (MANE Select); coding-DNA position 1640, C replaced by T.
Protein change: p.Thr547Met; replaces threonine 547 with methionine.
Molecular consequence: missense variant.
Genome position (GRCh38, 1-based): chr3:33,014,150, G>A on the plus strand (C>T on the coding strand, the complement: GLB1 is on the minus strand). VCF-style: chr3-33014150-G-A. GRCh37 (hg19) VCF-style: chr3-33055642-G-A.
Other names: c.1550C>T, p.Thr517Met (NM_001079811.3); c.1247C>T, p.Thr416Met (NM_001135602.3); c.1784C>T, p.Thr595Met (NM_001317040.2); c.1640C>T, p.Thr547Met (NM_001393580.1); short protein forms T517M, T416M, T547M, T595M.
Identifiers: ClinVar variation 1901214 (VCV001901214.6), dbSNP rs200062755, ClinGen allele CA2299339.

ClinVar aggregate classification (germline): Uncertain significance. Review status: criteria provided, multiple submitters, no conflicts (2 of 4 stars). 3 submissions from 3 submitters: Uncertain significance (3). Last evaluated 2026-02-17.

Conditions:
GM1 gangliosidosis. Identifiers: Orphanet 354, MedGen C0085131, MONDO:0018149.
Mucopolysaccharidosis, MPS-IV-B (MPS4B). Also called: MORQUIO SYNDROME B; MPS IVB; Mucopolysaccharidosis type IV B; Mucopolysaccharidosis Type IVB; Mucopolysaccharidosis type 4B; Mucopolysaccharidosis Type IVB (Morquio B Disease). Identifiers: Orphanet 309310, Orphanet 582, MedGen C0086652, MONDO:0009660, OMIM 253010.
Inborn genetic diseases. Identifiers: MedGen C0950123, MeSH D030342.

Allele frequency attached by ClinVar (database versions not stated): ExAC 0.00007; gnomAD exomes 0.00009; 1000 Genomes Project 30x 0.00016; TOPMed 0.00008; gnomAD 0.00009; 1000 Genomes Project 0.00020.
gnomAD v4.1: 145 of 1,614,182 alleles (0.009%); highest among the groups gnomAD compares: East Asian, 0.018%; no homozygotes.

Submissions (3):

GeneDx
Classification: Uncertain significance. Last evaluated: 2026-02-17. Review status: criteria provided, single submitter. Criteria: GeneDx Variant Classification Process June 2021. Collection method: clinical testing. Allele origin: germline.
Comment: Has not been previously published as pathogenic or benign to our knowledge; In silico analysis supports that this missense variant does not alter protein structure/function

Labcorp Genetics (formerly Invitae), Labcorp
Classification: Uncertain significance for Mucopolysaccharidosis, MPS-IV-B; GM1 gangliosidosis. Last evaluated: 2024-10-07. Review status: criteria provided, single submitter. Criteria: Invitae Variant Classification Sherloc (09022015). Collection method: clinical testing. Allele origin: germline.
Comment: This sequence change replaces threonine, which is neutral and polar, with methionine, which is neutral and non-polar, at codon 547 of the GLB1 protein (p.Thr547Met). This variant is present in population databases (rs200062755, gnomAD 0.04%). This variant has not been reported in the literature in individuals affected with GLB1-related conditions. ClinVar contains an entry for this variant (Variation ID: 1901214). Invitae Evidence Modeling of protein sequence and biophysical properties (such as structural, functional, and spatial information, amino acid conservation, physicochemical variation, residue mobility, and thermodynamic stability) has been performed for this missense variant. However, the output from this modeling did not meet the statistical confidence thresholds required to predict the impact of this variant on GLB1 protein function. In summary, the available evidence is currently insufficient to determine the role of this variant in disease. Therefore, it has been classified as a Variant of Uncertain Significance.

Ambry Genetics
Classification: Uncertain significance for Inborn genetic diseases. Last evaluated: 2021-08-12. Review status: criteria provided, single submitter. Criteria: Ambry Variant Classification Scheme 2023. Collection method: clinical testing. Allele origin: germline.